The following is an entry in ClinVar:

ClinVar aggregate classification (germline): Uncertain significance (1 of 4 stars; one submission).

Submission:

Labcorp Genetics (formerly Invitae), Labcorp
Classification: Uncertain significance. Last evaluated: 2025-02-26. Review status: criteria provided, single submitter. Criteria: Invitae Variant Classification Sherloc (09022015). Collection method: clinical testing. Allele origin: germline.
Comment: This sequence change replaces glycine, which is neutral and non-polar, with valine, which is neutral and non-polar, at codon 1017 of the BUB1 protein (p.Gly1017Val). This variant is not present in population databases (gnomAD no frequency). This variant has not been reported in the literature in individuals affected with BUB1-related conditions. Experimental studies and prediction algorithms are not available or were not evaluated, and the functional significance of this variant is currently unknown. In summary, the available evidence is currently insufficient to determine the role of this variant in disease. Therefore, it has been classified as a Variant of Uncertain Significance.

NM_004336.5(BUB1):c.3050G>T (p.Gly1017Val)

Gene: BUB1 (BUB1 mitotic checkpoint serine/threonine kinase; minus strand). Cytogenetic location: 2q13.
Variant type: single nucleotide variant.
Coding change: c.3050G>T on transcript NM_004336.5 (MANE Select); coding-DNA position 3050, G replaced by T.
Protein change: p.Gly1017Val; replaces glycine 1017 with valine.
Molecular consequence: missense variant.
Genome position (GRCh38, 1-based): chr2:110,639,754, C>A on the plus strand (G>T on the coding strand, the complement: BUB1 is on the minus strand). VCF-style: chr2-110639754-C-A. GRCh37 (hg19) VCF-style: chr2-111397331-C-A.
Other names: c.2990G>T, p.Gly997Val (NM_001278616.2); c.2879G>T, p.Gly960Val (NM_001278617.2); short protein forms G1017V, G960V, G997V.
Identifiers: ClinVar variation 4803791 (VCV004803791.1).